The following is an entry in ClinVar:

ClinVar aggregate classification (germline): Uncertain significance (1 of 4 stars; one submission).

Submission:

Labcorp Genetics (formerly Invitae), Labcorp
Classification: Uncertain significance. Last evaluated: 2024-02-24. Review status: criteria provided, single submitter. Criteria: Invitae Variant Classification Sherloc (09022015). Collection method: clinical testing. Allele origin: germline.
Comment: This sequence change replaces glycine, which is neutral and non-polar, with arginine, which is basic and polar, at codon 457 of the SETBP1 protein (p.Gly457Arg). This variant is not present in population databases (gnomAD no frequency). This variant has not been reported in the literature in individuals affected with SETBP1-related conditions. Advanced modeling of protein sequence and biophysical properties (such as structural, functional, and spatial information, amino acid conservation, physicochemical variation, residue mobility, and thermodynamic stability) performed at Invitae indicates that this missense variant is not expected to disrupt SETBP1 protein function with a negative predictive value of 80%. In summary, the available evidence is currently insufficient to determine the role of this variant in disease. Therefore, it has been classified as a Variant of Uncertain Significance.

NM_015559.3(SETBP1):c.1369G>A (p.Gly457Arg)

Gene: SETBP1 (SET binding protein 1; plus strand). Cytogenetic location: 18q12.3.
Variant type: single nucleotide variant.
Coding change: c.1369G>A on transcript NM_015559.3 (MANE Select); coding-DNA position 1369, G replaced by A.
Protein change: p.Gly457Arg; replaces glycine 457 with arginine.
Molecular consequence: missense variant.
Genome position (GRCh38, 1-based): chr18:44,950,709, G>A. VCF-style: chr18-44950709-G-A. GRCh37 (hg19) VCF-style: chr18-42530674-G-A.
Other names: c.1369G>A, p.Gly457Arg (NM_001379141.1, NM_001379142.1, NM_001410862.1); short protein forms G457R.
Identifiers: ClinVar variation 3641479 (VCV003641479.2).